The following is an entry in ClinVar:

ClinVar aggregate classification (germline): Uncertain significance. Review status: criteria provided, multiple submitters, no conflicts (2 of 4 stars). 2 submissions from 2 submitters: Uncertain significance (2). Last evaluated 2025-08-24.

Conditions:
Inborn genetic diseases. Identifiers: MedGen C0950123, MeSH D030342.

Allele frequency attached by ClinVar (database versions not stated): gnomAD 0.00001; ExAC 0.00004; TOPMed 0.00007.
gnomAD v4.1: 43 of 1,613,530 alleles (0.0027%); highest among the groups gnomAD compares: Admixed American, 0.005%; no homozygotes.

Submissions (2):

Ambry Genetics
Classification: Uncertain significance for Inborn genetic diseases. Last evaluated: 2025-08-24. Review status: criteria provided, single submitter. Criteria: Ambry Variant Classification Scheme 2023. Collection method: clinical testing. Allele origin: germline.

GeneDx
Classification: Uncertain significance. Last evaluated: 2023-02-27. Review status: criteria provided, single submitter. Criteria: GeneDx Variant Classification Process June 2021. Collection method: clinical testing. Allele origin: germline. Affected: yes.
Comment: Not observed at significant frequency in large population cohorts (gnomAD); In silico analysis supports that this missense variant does not alter protein structure/function; Has not been previously published as pathogenic or benign to our knowledge

NM_003922.4(HERC1):c.6293A>G (p.His2098Arg)

Gene: HERC1 (HECT and RLD domain containing E3 ubiquitin protein ligase family member 1; minus strand). Cytogenetic location: 15q22.31.
Variant type: single nucleotide variant.
Coding change: c.6293A>G on transcript NM_003922.4 (MANE Select); coding-DNA position 6293, A replaced by G.
Protein change: p.His2098Arg; replaces histidine 2098 with arginine.
Molecular consequence: missense variant.
Genome position (GRCh38, 1-based): chr15:63,680,709, T>C on the plus strand (A>G on the coding strand, the complement: HERC1 is on the minus strand). VCF-style: chr15-63680709-T-C. GRCh37 (hg19) VCF-style: chr15-63972908-T-C.
Other names: short protein forms H2098R.
Identifiers: ClinVar variation 2577810 (VCV002577810.4), dbSNP rs750005781, ClinGen allele CA7605351.
Genomic context (GRCh38, chr15:63,680,709, plus strand): 5'-AGGTTACCACTGTAGGCCCTATAGAGCCACATATCCGAGGTAGTGCGGTGATTAAAGTCA[T>C]GTACTGGCCAGCGAGAAACTCCAACACACGTGCCTTCATTACCTCTGTTTTCCTTCACAA-3'
Protein context (NP_003913.3, residues 2088-2108): TCVGVSRWPV[His2098Arg]DFNHRTTSDM